The following is an entry in ClinVar:

ClinVar aggregate classification (germline): Uncertain significance (1 of 4 stars; one submission).

Conditions:
Familial thoracic aortic aneurysm and aortic dissection (TAAD). Also called: Thoracic aortic aneurysms and dissections. Identifiers: Orphanet 91387, MedGen C4707243, MONDO:0019625.

Submission:

Labcorp Genetics (formerly Invitae), Labcorp
Classification: Uncertain significance for Familial thoracic aortic aneurysm and aortic dissection. Last evaluated: 2022-10-26. Review status: criteria provided, single submitter. Criteria: Invitae Variant Classification Sherloc (09022015). Collection method: clinical testing. Allele origin: germline.
Comment: This sequence change replaces leucine, which is neutral and non-polar, with proline, which is neutral and non-polar, at codon 103 of the SMAD3 protein (p.Leu103Pro). Information on the frequency of this variant in the gnomAD database is not available, as this variant may be reported differently in the database. This missense change has been observed in individual(s) with thoracic aortic aneurysm and dissection (Invitae). ClinVar contains an entry for this variant (Variation ID: 1415341). Algorithms developed to predict the effect of missense changes on protein structure and function are either unavailable or do not agree on the potential impact of this missense change (SIFT: "Not Available"; PolyPhen-2: "Probably Damaging"; Align-GVGD: "Not Available"). In summary, the available evidence is currently insufficient to determine the role of this variant in disease. Therefore, it has been classified as a Variant of Uncertain Significance.

NM_005902.4(SMAD3):c.308_309delinsCG (p.Leu103Pro)

Gene: SMAD3 (SMAD family member 3; plus strand). Cytogenetic location: 15q22.33.
Variant type: Indel.
Coding change: c.308_309delinsCG on transcript NM_005902.4 (MANE Select); coding-DNA positions 308 to 309, TA replaced by CG.
Protein change: p.Leu103Pro; replaces leucine 103 with proline.
Molecular consequence: missense variant. On other transcripts: 5 prime UTR variant (1).
Genome position (GRCh38, 1-based): chr15:67,164,996-67,164,997, TA replaced by CG. VCF-style: chr15-67164996-TA-CG. GRCh37 (hg19) VCF-style: chr15-67457334-TA-CG.
Other names: c.-8_-7delinsCG (NM_001145102.2); c.176_177delinsCG, p.Leu59Pro (NM_001145103.2); short protein forms L103P, L59P.
Identifiers: ClinVar variation 1415341 (VCV001415341.6), dbSNP rs2140294002, ClinGen allele CA2573151067.
Genomic context (GRCh38, chr15:67,164,996, plus strand): 5'-TCCCTCATGTCATCTACTGCCGCCTGTGGCGATGGCCAGACCTGCACAGCCACCACGAGC[TA>CG]CGGGCCATGGAGCTGTGTGAGTTCGCCTTCAATATGAAGAAGGACGAGGTCTGCGTGAAT-3'
Protein context (NP_005893.1, residues 93-113): RWPDLHSHHE[Leu103Pro]RAMELCEFAF